The following is an entry in ClinVar:

ClinVar aggregate classification (germline): Pathogenic (1 of 4 stars; one submission).

Submission:

GeneDx
Classification: Pathogenic. Last evaluated: 2014-01-28. Review status: criteria provided, single submitter. Criteria: GeneDx Variant Classification (06012015). Collection method: clinical testing. Allele origin: germline. Affected: yes.
Comment: Although the c.355delC mutation in the PKP2 gene has not been reported to our knowledge, this mutation causes a shift in reading frame starting at codon Serine 81, changing it to an Alanine, and creating a premature stop codon at position 31 of the new reading frame, denoted p.Ser81AlafsX31. This mutation is expected to result in either an abnormal, truncated protein product or loss of protein from this allele through nonsense mediated mRNA decay. Other frameshift mutations in the PKP2 gene have been reported in association with ARVC. In summary, c.355delC in the PKP2 gene is interpreted as a disease-causing mutation.

NM_001005242.3(PKP2):c.240del (p.Ser81fs)

Gene: PKP2 (plakophilin 2; minus strand). Cytogenetic location: 12p11.21.
Variant type: Deletion.
Coding change: c.240del on transcript NM_001005242.3 (MANE Select); coding-DNA position 240, one base deleted (C; older notation c.240delC).
Protein change: p.Ser81fs; shifts the reading frame from serine 81.
Molecular consequence: frameshift variant.
Genome position (GRCh38, 1-based): chr12:32,879,016, G deleted on the plus strand (C on the coding strand, the reverse complement: PKP2 is on the minus strand); the first of 2 consecutive G bases (chr12:32,879,016-32,879,017); deleting either gives the same sequence. VCF-style (leftmost placement, unchanged base first): chr12-32879015-TG-T. GRCh37 (hg19) VCF-style: chr12-33031949-TG-T.
Other names: c.240del, p.Ser81fs (NM_004572.4); c.240delC (NM_004572.3); short protein forms S81fs.
Identifiers: ClinVar variation 202009 (VCV000202009.2), dbSNP rs794729119, ClinGen allele CA012005.